The following is an entry in ClinVar:

ClinVar aggregate classification (germline): Uncertain significance (1 of 4 stars; one submission).

Allele frequency attached by ClinVar (database versions not stated): gnomAD exomes below 0.00001.
gnomAD v4.1: 1 of 1,597,418 alleles (0.000063%); highest among the groups gnomAD compares: Admixed American, 0.0017%; no homozygotes.

Submission:

Labcorp Genetics (formerly Invitae), Labcorp
Classification: Uncertain significance. Last evaluated: 2022-04-08. Review status: criteria provided, single submitter. Criteria: Invitae Variant Classification Sherloc (09022015). Collection method: clinical testing. Allele origin: germline.
Comment: In summary, the available evidence is currently insufficient to determine the role of this variant in disease. Therefore, it has been classified as a Variant of Uncertain Significance. Algorithms developed to predict the effect of sequence changes on RNA splicing suggest that this variant may disrupt the consensus splice site. This variant has not been reported in the literature in individuals affected with PEX3-related conditions. This variant is not present in population databases (gnomAD no frequency). This sequence change affects codon 320 of the PEX3 mRNA. It is a 'silent' change, meaning that it does not change the encoded amino acid sequence of the PEX3 protein.

NM_003630.3(PEX3):c.958C>T (p.Leu320=)

Gene: PEX3 (peroxisomal biogenesis factor 3; plus strand). Cytogenetic location: 6q24.2.
Variant type: single nucleotide variant.
Coding change: c.958C>T on transcript NM_003630.3 (MANE Select); coding-DNA position 958, C replaced by T.
Protein change: p.Leu320=; no amino-acid change (leucine 320 retained).
Molecular consequence: synonymous variant.
Genome position (GRCh38, 1-based): chr6:143,485,168, C>T. VCF-style: chr6-143485168-C-T. GRCh37 (hg19) VCF-style: chr6-143806305-C-T.
Identifiers: ClinVar variation 2123346 (VCV002123346.4), dbSNP rs1780299786, ClinGen allele CA452462570.